The following is an entry in ClinVar:

ClinVar aggregate classification (germline): Likely benign. Review status: criteria provided, multiple submitters, no conflicts (2 of 4 stars). 3 submissions from 3 submitters: Likely benign (3). Last evaluated 2025-12-30.

Conditions:
APC2-related disorder. Also called: APC2-Related Disorders; APC2-related condition.

gnomAD v4.1: 150 of 1,592,068 alleles (0.0094%); highest among the groups gnomAD compares: Middle Eastern, 0.017%; no homozygotes.

Submissions (3):

PreventionGenetics, part of Exact Sciences
Classification: Likely benign for APC2-related condition. Last evaluated: 2025-12-30. Review status: criteria provided, single submitter. Criteria: ACMG Guidelines, 2015. Collection method: clinical testing. Allele origin: germline.
Comment: This variant is classified as likely benign based on ACMG/AMP sequence variant interpretation guidelines (Richards et al. 2015 PMID: 25741868, with internal and published modifications).

Labcorp Genetics (formerly Invitae), Labcorp
Classification: Likely benign. Last evaluated: 2025-12-23. Review status: criteria provided, single submitter. Criteria: Invitae Variant Classification Sherloc (09022015). Collection method: clinical testing. Allele origin: germline.

Blueprint Genetics
Classification: Likely benign. Last evaluated: 2024-10-31. Review status: criteria provided, single submitter. Criteria: ACMG Guidelines, 2015. Collection method: clinical testing. Allele origin: germline.

NM_005883.3(APC2):c.5127G>A (p.Glu1709=)

Gene: APC2 (APC regulator of Wnt signaling pathway 2; plus strand). Cytogenetic location: 19p13.3.
Variant type: single nucleotide variant.
Coding change: c.5127G>A on transcript NM_005883.3 (MANE Select); coding-DNA position 5127, G replaced by A.
Protein change: p.Glu1709=; no amino-acid change (glutamic acid 1709 retained).
Molecular consequence: synonymous variant.
Genome position (GRCh38, 1-based): chr19:1,468,428, G>A. VCF-style: chr19-1468428-G-A. GRCh37 (hg19) VCF-style: chr19-1468427-G-A.
Other names: c.5127G>A (NM_005883.2); c.5124G>A, p.Glu1708= (NM_001351273.1).
Identifiers: ClinVar variation 4738144 (VCV004738144.3).